The following is an entry in ClinVar:

NM_001182.5(ALDH7A1):c.244del (p.Gln82fs)

Gene: ALDH7A1 (aldehyde dehydrogenase 7 family member A1; minus strand). Cytogenetic location: 5q23.2.
Variant type: Deletion.
Coding change: c.244del on transcript NM_001182.5 (MANE Select); coding-DNA position 244, one base deleted (C; older notation c.244delC).
Protein change: p.Gln82fs; shifts the reading frame from glutamine 82.
Molecular consequence: frameshift variant.
Genome position (GRCh38, 1-based): chr5:126,593,353, G deleted on the plus strand (C on the coding strand, the reverse complement: ALDH7A1 is on the minus strand). VCF-style (leftmost placement, unchanged base first): chr5-126593352-TG-T. GRCh37 (hg19) VCF-style: chr5-125929044-TG-T.
Other names: c.160del, p.Gln54fs (NM_001201377.2); c.244del, p.Gln82fs (NM_001202404.2); c.244del (NM_001182.4); short protein forms Q54fs, Q82fs.
Identifiers: ClinVar variation 631953 (VCV000631953.9), dbSNP rs1317880376, ClinGen allele CA562240470.
Genomic context (GRCh38, chr5:126,593,352, plus strand): 5'-TGTATAATTTGAATTAAACACACACACACACACACACACACACACACACACACTCTTACC[TG>T]TCGGACTCTTGCTATTGGCTCGTTGTTAGCAGGGCAATAGGTCGTAATAACCTTAAAACA-3'

ClinVar aggregate classification (germline): Pathogenic/Likely pathogenic. Review status: criteria provided, multiple submitters, no conflicts (2 of 4 stars). 3 submissions from 3 submitters: Pathogenic (1); Likely pathogenic (2). Last evaluated 2024-05-24.

Conditions:
Pyridoxine-dependent epilepsy (EPEO4). Also called: Pyridoxine-Dependent Seizures; PYRIDOXINE DEPENDENCY WITH SEIZURES; Pyridoxine-Dependent Epilepsy - ALDH7A1; EPILEPSY, EARLY-ONSET, 4, VITAMIN B6-DEPENDENT. Identifiers: Orphanet 3006, MedGen C1849508, MONDO:0009945, OMIM 266100. Disease mechanism: loss of function.
ALDH7A1-related disorder. Also called: ALDH7A1-related condition.

Allele frequency attached by ClinVar (database versions not stated): gnomAD exomes below 0.00001.

Submissions (3):

GeneDx
Classification: Likely pathogenic. Last evaluated: 2024-05-24. Review status: criteria provided, single submitter. Criteria: GeneDx Variant Classification Process June 2021. Collection method: clinical testing. Allele origin: germline. Affected: yes.
Comment: Frameshift variant predicted to result in protein truncation or nonsense mediated decay in a gene for which loss of function is a known mechanism of disease; Not observed at significant frequency in large population cohorts (gnomAD); Has not been previously published as pathogenic or benign to our knowledge; This variant is associated with the following publications: (PMID: 20554659, 16491085)

Labcorp Genetics (formerly Invitae), Labcorp
Classification: Pathogenic for Pyridoxine-dependent epilepsy. Last evaluated: 2023-02-28. Review status: criteria provided, single submitter. Criteria: Invitae Variant Classification Sherloc (09022015). Collection method: clinical testing. Allele origin: germline.
Comment: For these reasons, this variant has been classified as Pathogenic. ClinVar contains an entry for this variant (Variation ID: 631953). This variant has not been reported in the literature in individuals affected with ALDH7A1-related conditions. This variant is present in population databases (no rsID available, gnomAD 0.0009%). This sequence change creates a premature translational stop signal (p.Gln82Argfs*11) in the ALDH7A1 gene. It is expected to result in an absent or disrupted protein product. Loss-of-function variants in ALDH7A1 are known to be pathogenic (PMID: 16491085, 20554659).

Blueprint Genetics
Classification: Likely pathogenic for ALDH7A1-related disorders. Last evaluated: 2020-10-01. Review status: criteria provided, single submitter. Criteria: ACMG Guidelines, 2015. Collection method: clinical testing. Allele origin: germline. Affected: yes. Observed: 1 variant allele.

Literature cited by the submitters: PubMed 16491085 (cited by Labcorp Genetics (formerly Invitae), Labcorp); PubMed 20554659 (cited by Labcorp Genetics (formerly Invitae), Labcorp).